The following is an entry in ClinVar:

ClinVar aggregate classification (germline): Benign. Review status: criteria provided, multiple submitters, no conflicts (2 of 4 stars). 12 submissions from 12 submitters: Benign (9). 3 of the submissions do not count toward it. Last evaluated 2024-11-27.

Conditions:
Episodic ataxia type 1 (EA1). Also called: ATAXIA, EPISODIC, WITH MYOKYMIA; Episodic ataxia/myokymia syndrome; PAROXYSMAL ATAXIA WITH NEUROMYOTONIA, HEREDITARY; MYOKYMIA WITH PERIODIC ATAXIA. Identifiers: Orphanet 37612, Orphanet 972, MedGen C1719788, MONDO:0008047, OMIM 160120.

Allele frequency attached by ClinVar (database versions not stated): gnomAD 0.45248 and 0.45519; ESP Exome Variant Server 0.45356; TOPMed 0.46056; 1000 Genomes Project 30x 0.47283; 1000 Genomes Project 0.47524; ExAC 0.47654; gnomAD exomes 0.47756 and 0.47975.
gnomAD v4.1: 759,422 of 1,596,498 alleles (48%); highest among the groups gnomAD compares: East Asian, 58%; 182,909 homozygotes.

Submissions (12):

Blueprint Genetics
Classification: Benign. Last evaluated: 2024-11-27. Review status: criteria provided, single submitter. Criteria: ACMG Guidelines, 2015. Collection method: clinical testing. Allele origin: germline.

Unidad de Genómica Garrahan, Hospital de Pediatría Garrahan
Classification: Benign. Last evaluated: 2024-07-31. Review status: criteria provided, single submitter. Criteria: ACMG Guidelines, 2015. Collection method: clinical testing. Allele origin: germline. Affected: no. Observed: 60 variant alleles.
Comment: This variant is classified as Benign based on local population frequency. This variant was detected in 65% of patients studied in a panel designed for Epileptic and Developmental Encephalopathy, Progressive Myoclonus Epilepsy and Abnormal Movements and Neurodegeneration with brain iron accumulation. Number of patients: 60. Only high quality variants are reported.

Mayo Clinic Laboratories, Mayo Clinic
Classification: Benign. Last evaluated: 2022-03-24. Review status: criteria provided, single submitter. Criteria: ACMG Guidelines, 2015. Collection method: clinical testing. Allele origin: germline. Observed: 590 variant alleles.

Genome-Nilou Lab
Classification: Benign for Episodic ataxia type 1. Last evaluated: 2021-08-19. Review status: criteria provided, single submitter. Criteria: ACMG Guidelines, 2015. Collection method: clinical testing. Allele origin: germline. Affected: no.

GeneDx
Classification: Benign. Last evaluated: 2019-12-26. Review status: criteria provided, single submitter. Criteria: GeneDx Variant Classification Process June 2021. Collection method: clinical testing. Allele origin: germline. Affected: yes.

Athena Diagnostics
Classification: Benign. Last evaluated: 2018-05-07. Review status: criteria provided, single submitter. Criteria: Athena Diagnostics Criteria. Collection method: clinical testing. Allele origin: germline.

Illumina Laboratory Services, Illumina
Classification: Benign for Episodic ataxia type 1. Last evaluated: 2018-01-12. Review status: criteria provided, single submitter. Criteria: ICSL Variant Classification Criteria 13 December 2019. Collection method: clinical testing. Allele origin: germline.
Comment: This variant was observed in the ICSL laboratory as part of a predisposition screen in an ostensibly healthy population. It had not been previously curated by ICSL or reported in the Human Gene Mutation Database (HGMD: prior to June 1st, 2018), and was therefore a candidate for classification through an automated scoring system. Utilizing variant allele frequency, disease prevalence and penetrance estimates, and inheritance mode, an automated score was calculated to assess if this variant is too frequent to cause the disease. Based on the score and internal cut-off values, a variant classified as benign is not then subjected to further curation. The score for this variant resulted in a classification of benign for this disease.

Eurofins Ntd Llc (ga)
Classification: Benign. Last evaluated: 2014-05-09. Review status: criteria provided, single submitter. Criteria: EGL Classification Definitions 2015. Collection method: clinical testing. Allele origin: germline. Observed: 1 variant allele, 1 homozygote.

Breakthrough Genomics
Classification: Benign. Review status: criteria provided, single submitter. Criteria: ACMG Guidelines, 2015. Collection method: not provided. Allele origin: germline. Inheritance: Autosomal dominant inheritance. Affected: yes.

Clinical Genetics DNA and cytogenetics Diagnostics Lab, Erasmus MC, Erasmus Medical Center
Classification: Benign. Review status: no assertion criteria provided. Collection method: clinical testing. Allele origin: germline. Affected: yes. Study: VKGL Data-share Consensus. Not counted in ClinVar's aggregate classification.

Diagnostic Laboratory, Department of Genetics, University Medical Center Groningen
Classification: Benign. Review status: no assertion criteria provided. Collection method: clinical testing. Allele origin: germline. Affected: yes. Study: VKGL Data-share Consensus. Not counted in ClinVar's aggregate classification.

Joint Genome Diagnostic Labs from Nijmegen and Maastricht, Radboudumc and MUMC+
Classification: Benign. Review status: no assertion criteria provided. Collection method: clinical testing. Allele origin: germline. Affected: yes. Study: VKGL Data-share Consensus. Not counted in ClinVar's aggregate classification.

NM_000217.3(KCNA1):c.*9G>A

Gene: KCNA1 (potassium voltage-gated channel subfamily A member 1; plus strand). Cytogenetic location: 12p13.32.
Variant type: single nucleotide variant.
Coding change: c.*9G>A on transcript NM_000217.3 (MANE Select); 9 bases downstream of the stop codon, G replaced by A.
Molecular consequence: 3 prime UTR variant.
Genome position (GRCh38, 1-based): chr12:4,912,875, G>A. VCF-style: chr12-4912875-G-A. GRCh37 (hg19) VCF-style: chr12-5022041-G-A.
Identifiers: ClinVar variation 195043 (VCV000195043.22), dbSNP rs4766310, ClinGen allele CA201511.